The following is an entry in ClinVar:

ClinVar aggregate classification (germline): other (0 of 4 stars; one submission).

Conditions:
Familial colorectal cancer. Identifiers: MedGen CN280943, MONDO:0023113. Disease mechanism: loss of function.

Allele frequency attached by ClinVar (database versions not stated): gnomAD 0.00012 and 0.00032.
gnomAD v4.1: 13 of 107,082 alleles (0.012%); highest among the groups gnomAD compares: South Asian, 0.17%; no homozygotes.

Submission:

Systems Biology Platform Zhejiang California International NanoSystems Institute
Classification: other for Familial colorectal cancer. Review status: no assertion criteria provided. Collection method: not provided. Allele origin: unknown.
ClinVar note: Converted during submission from cancer to other.

NM_000038.6(APC):c.646-5554T>C

Gene: APC (APC regulator of WNT signaling pathway; plus strand). Cytogenetic location: 5q22.2.
Variant type: single nucleotide variant.
Coding change: c.646-5554T>C on transcript NM_000038.6 (MANE Select); 5554 bases into the intron before coding-DNA position 646, T replaced by C.
Molecular consequence: intron variant.
Genome position (GRCh38, 1-based): chr5:112,786,892, T>C. VCF-style: chr5-112786892-T-C. GRCh37 (hg19) VCF-style: chr5-112122589-T-C.
Other names: c.646-5554T>C (NM_001354895.2, NM_001127510.3, NM_001354896.2 and 1 more transcripts); c.676-5554T>C (NM_001354897.2, NM_001354902.2); c.675+5989T>C (NM_001127511.3); c.571-5554T>C (NM_001354898.2, NM_001354904.2); c.-390-5554T>C (NM_001354906.2); c.645+5989T>C (NM_001354899.2); c.469-5554T>C (NM_001354900.2, NM_001354901.2, NM_001354905.2).
Identifiers: ClinVar variation 82967 (VCV000082967.2), dbSNP rs75822244, ClinGen allele CA012075.
Genomic context (GRCh38, chr5:112,786,892, plus strand): 5'-TTTGTGGACCATATGGTCTCTTTTGCAACTACTCAACCCTGCCTTTTTCTTTTTCTTTTT[T>C]TTTTTTTTTTTTTGAGTCAGAGTCTTACTCTGTCACCTAGGCTGGAGTACAGTCATGCAA-3'